The following is an entry in ClinVar:

NM_001101362.3(KBTBD13):c.632T>A (p.Leu211His)

Gene: KBTBD13 (kelch repeat and BTB domain containing 13; plus strand). Cytogenetic location: 15q22.31.
Variant type: single nucleotide variant.
Coding change: c.632T>A on transcript NM_001101362.3 (MANE Select); coding-DNA position 632, T replaced by A.
Protein change: p.Leu211His; replaces leucine 211 with histidine.
Molecular consequence: missense variant.
Genome position (GRCh38, 1-based): chr15:65,077,447, T>A. VCF-style: chr15-65077447-T-A. GRCh37 (hg19) VCF-style: chr15-65369785-T-A.
Other names: short protein forms L211H.
Identifiers: ClinVar variation 847762 (VCV000847762.11), dbSNP rs924967048, ClinGen allele CA271503823.

ClinVar aggregate classification (germline): Uncertain significance. Review status: criteria provided, multiple submitters, no conflicts (2 of 4 stars). 2 submissions from 2 submitters: Uncertain significance (2). Last evaluated 2024-11-25.

Conditions:
Nemaline myopathy 6 (NEM6). Also called: Nemaline myopathy 6, autosomal dominant. Identifiers: Orphanet 171439, MedGen C1836472, MONDO:0012237, OMIM 609273.
Inborn genetic diseases. Identifiers: MedGen C0950123, MeSH D030342.

Allele frequency attached by ClinVar (database versions not stated): gnomAD 0.00001; gnomAD exomes 0.00001 and 0.00002; TOPMed 0.00001.
gnomAD v4.1: 19 of 1,526,978 alleles (0.0012%); highest among the groups gnomAD compares: Admixed American, 0.0059%; no homozygotes.

Submissions (2):

Labcorp Genetics (formerly Invitae), Labcorp
Classification: Uncertain significance for Nemaline myopathy 6. Last evaluated: 2024-11-25. Review status: criteria provided, single submitter. Criteria: Invitae Variant Classification Sherloc (09022015). Collection method: clinical testing. Allele origin: germline.
Comment: This sequence change replaces leucine, which is neutral and non-polar, with histidine, which is basic and polar, at codon 211 of the KBTBD13 protein (p.Leu211His). The frequency data for this variant in the population databases is considered unreliable, as metrics indicate poor data quality at this position in the gnomAD database. This variant has not been reported in the literature in individuals affected with KBTBD13-related conditions. ClinVar contains an entry for this variant (Variation ID: 847762). Invitae Evidence Modeling of protein sequence and biophysical properties (such as structural, functional, and spatial information, amino acid conservation, physicochemical variation, residue mobility, and thermodynamic stability) has been performed for this missense variant. However, the output from this modeling did not meet the statistical confidence thresholds required to predict the impact of this variant on KBTBD13 protein function. In summary, the available evidence is currently insufficient to determine the role of this variant in disease. Therefore, it has been classified as a Variant of Uncertain Significance.

Ambry Genetics
Classification: Uncertain significance for Inborn genetic diseases. Last evaluated: 2023-02-15. Review status: criteria provided, single submitter. Criteria: Ambry Variant Classification Scheme 2023. Collection method: clinical testing. Allele origin: germline.